The following is an entry in ClinVar:

NM_023110.3(FGFR1):c.1244A>G (p.His415Arg)

Gene: FGFR1 (fibroblast growth factor receptor 1; minus strand). Cytogenetic location: 8p11.23.
Variant type: single nucleotide variant.
Coding change: c.1244A>G on transcript NM_023110.3 (MANE Select); coding-DNA position 1244, A replaced by G.
Protein change: p.His415Arg; replaces histidine 415 with arginine.
Molecular consequence: missense variant.
Genome position (GRCh38, 1-based): chr8:38,419,573, T>C on the plus strand (A>G on the coding strand, the complement: FGFR1 is on the minus strand). VCF-style: chr8-38419573-T-C. GRCh37 (hg19) VCF-style: chr8-38277091-T-C.
Other names: c.1244A>G, p.His415Arg (NM_001174063.2); c.1220A>G, p.His407Arg (NM_001174064.2); c.1238A>G, p.His413Arg (NM_001174065.2, NM_001354367.2, NM_001354369.2 and 1 more transcripts); c.977A>G, p.His326Arg (NM_001174066.2, NM_023105.3); c.1337A>G, p.His446Arg (NM_001174067.2); c.971A>G, p.His324Arg (NM_001354368.2, NM_001354370.2, NM_023106.3); short protein forms H324R, H326R, H407R, H413R, H446R, H415R.
Identifiers: ClinVar variation 1371278 (VCV001371278.6), dbSNP rs2150706408, ClinGen allele CA370733652.

ClinVar aggregate classification (germline): Uncertain significance (1 of 4 stars; one submission).

Conditions:
Pfeiffer syndrome (ACS5). Also called: ACS V. Identifiers: Orphanet 710, MedGen C0220658, MONDO:0007043, OMIM 101600.
Hypogonadotropic hypogonadism 2 with or without anosmia (HH2). Also called: FGFR1-Related GnRH Deficiency (Kallmann Syndrome 2); HYPOGONADOTROPIC HYPOGONADISM 2 WITHOUT ANOSMIA; HYPOGONADOTROPIC HYPOGONADISM 2 WITH OR WITHOUT ANOSMIA, SUSCEPTIBILITY TO; HYPOGONADOTROPIC HYPOGONADISM 2 WITHOUT ANOSMIA, SUSCEPTIBILITY TO. Identifiers: Orphanet 478, MedGen C1563720, MONDO:0007844, OMIM 147950. Disease mechanism: loss of function.

gnomAD v4.1: 1 of 1,614,124 alleles (0.000062%); no homozygotes.

Submission:

Labcorp Genetics (formerly Invitae), Labcorp
Classification: Uncertain significance for Pfeiffer syndrome; Hypogonadotropic hypogonadism 2 with or without anosmia. Last evaluated: 2021-11-27. Review status: criteria provided, single submitter. Criteria: Invitae Variant Classification Sherloc (09022015). Collection method: clinical testing. Allele origin: germline.
Comment: In summary, the available evidence is currently insufficient to determine the role of this variant in disease. Therefore, it has been classified as a Variant of Uncertain Significance. Algorithms developed to predict the effect of missense changes on protein structure and function are either unavailable or do not agree on the potential impact of this missense change (SIFT: "Tolerated"; PolyPhen-2: "Possibly Damaging"; Align-GVGD: "Class C0"). This variant has not been reported in the literature in individuals affected with FGFR1-related conditions. This variant is not present in population databases (gnomAD no frequency). This sequence change replaces histidine, which is basic and polar, with arginine, which is basic and polar, at codon 415 of the FGFR1 protein (p.His415Arg).